The following is an entry in ClinVar:

ClinVar aggregate classification (germline): Uncertain significance. Review status: criteria provided, multiple submitters, no conflicts (2 of 4 stars). 2 submissions from 2 submitters: Uncertain significance (2). Last evaluated 2023-09-13.

Conditions:
Inborn genetic diseases. Identifiers: MedGen C0950123, MeSH D030342.
Charcot-Marie-Tooth disease type 4. Also called: Charcot-Marie-Tooth disease, type IV; Charcot-Marie-Tooth, Type 4. Identifiers: Orphanet 64749, MedGen C4082197, MONDO:0018995.

Allele frequency attached by ClinVar (database versions not stated): gnomAD exomes below 0.00001; TOPMed below 0.00001.
gnomAD v4.1: 2 of 1,614,192 alleles (0.00012%); highest among the groups gnomAD compares: Non-Finnish European, 0.00017%; no homozygotes.

Submissions (2):

Ambry Genetics
Classification: Uncertain significance for Inborn genetic diseases. Last evaluated: 2023-09-13. Review status: criteria provided, single submitter. Criteria: Ambry Variant Classification Scheme 2023. Collection method: clinical testing. Allele origin: germline.

Labcorp Genetics (formerly Invitae), Labcorp
Classification: Uncertain significance for Charcot-Marie-Tooth disease type 4. Last evaluated: 2021-06-04. Review status: criteria provided, single submitter. Criteria: Invitae Variant Classification Sherloc (09022015). Collection method: clinical testing. Allele origin: germline.
Comment: In summary, the available evidence is currently insufficient to determine the role of this variant in disease. Therefore, it has been classified as a Variant of Uncertain Significance. Algorithms developed to predict the effect of missense changes on protein structure and function (SIFT, PolyPhen-2, Align-GVGD) all suggest that this variant is likely to be tolerated, but these predictions have not been confirmed by published functional studies and their clinical significance is uncertain. This variant has not been reported in the literature in individuals with SBF2-related conditions. This variant is not present in population databases (ExAC no frequency). This sequence change replaces leucine with proline at codon 906 of the SBF2 protein (p.Leu906Pro). The leucine residue is moderately conserved and there is a moderate physicochemical difference between leucine and proline.

NM_030962.4(SBF2):c.2717T>C (p.Leu906Pro)

Genes: SBF2 (SET binding factor 2; minus strand), LOC101928008 (uncharacterized LOC101928008; plus strand). Cytogenetic location: 11p15.4.
Variant type: single nucleotide variant.
Coding change: c.2717T>C on transcript NM_030962.4 (MANE Select); coding-DNA position 2717, T replaced by C.
Protein change: p.Leu906Pro; replaces leucine 906 with proline.
Molecular consequence: missense variant.
Genome position (GRCh38, 1-based): chr11:9,850,112, A>G on the plus strand (T>C on the coding strand, the complement: SBF2 is on the minus strand). VCF-style: chr11-9850112-A-G. GRCh37 (hg19) VCF-style: chr11-9871659-A-G.
Other names: c.2717T>C, p.Leu906Pro (NM_001386339.1); c.2588T>C, p.Leu863Pro (NM_001386342.1); c.2717T>C (NM_030962.3); short protein forms L863P, L906P.
Identifiers: ClinVar variation 1417448 (VCV001417448.10), dbSNP rs1856816042, ClinGen allele CA379635539.
Genomic context (GRCh38, chr11:9,850,112, plus strand): 5'-AGAATTCTGTATGTGGTGAGGAACAAGGCTCCTTCTGCTGGCAGGAGCTGAGGGCCTCCA[A>G]GAAGACCTCCAGTAGCTTCTTCTCTTCCATCAGGATCCAGCAAGACTCGAAGACCCTCAC-3'
Protein context (NP_112224.1, residues 896-916): DGREEATGGL[Leu906Pro]GGPQLLPAEG